The following is an entry in ClinVar:

NM_213599.3(ANO5):c.1179G>A (p.Trp393Ter)

Gene: ANO5 (anoctamin 5; plus strand). Cytogenetic location: 11p14.3.
Variant type: single nucleotide variant.
Coding change: c.1179G>A on transcript NM_213599.3 (MANE Select); coding-DNA position 1179, G replaced by A.
Protein change: p.Trp393Ter; replaces tryptophan 393 with a stop codon.
Molecular consequence: nonsense.
Genome position (GRCh38, 1-based): chr11:22,251,010, G>A. VCF-style: chr11-22251010-G-A. GRCh37 (hg19) VCF-style: chr11-22272556-G-A.
Other names: c.1176G>A, p.Trp392Ter (NM_001142649.2); c.1137G>A, p.Trp379Ter (NM_001410963.1); c.1134G>A, p.Trp378Ter (NM_001410964.1); short protein forms W378*, W379*, W392*, W393*.
Identifiers: ClinVar variation 2935168 (VCV002935168.3), dbSNP rs2494261394, ClinGen allele CA379921328.

ClinVar aggregate classification (germline): Pathogenic (1 of 4 stars; one submission).

Conditions:
Gnathodiaphyseal dysplasia (GDD). Also called: GNATHODIAPHYSEAL SCLEROSIS; OSTEOGENESIS IMPERFECTA WITH UNUSUAL SKELETAL LESIONS. Identifiers: Orphanet 53697, MedGen C1833736, MONDO:0008151, OMIM 166260.
Autosomal recessive limb-girdle muscular dystrophy type 2L (LGMDR12). Also called: Limb-girdle muscular dystrophy, type 2L; MUSCULAR DYSTROPHY, LIMB-GIRDLE, AUTOSOMAL RECESSIVE 12; Limb-Girdle Muscular Dystrophy R12 Anoctamin-5-Related (LGMD-R12). Identifiers: Orphanet 206549, MedGen C1969785, MONDO:0012652, OMIM 611307.

Allele frequency attached by ClinVar (database versions not stated): gnomAD exomes below 0.00001.
gnomAD v4.1: 1 of 1,609,802 alleles (0.000062%); highest among the groups gnomAD compares: Non-Finnish European, 0.000085%; no homozygotes.

Submission:

Labcorp Genetics (formerly Invitae), Labcorp
Classification: Pathogenic for Autosomal recessive limb-girdle muscular dystrophy type 2L; Gnathodiaphyseal dysplasia. Last evaluated: 2023-08-18. Review status: criteria provided, single submitter. Criteria: Invitae Variant Classification Sherloc (09022015). Collection method: clinical testing. Allele origin: germline.
Comment: For these reasons, this variant has been classified as Pathogenic. This variant has not been reported in the literature in individuals affected with ANO5-related conditions. This variant is not present in population databases (gnomAD no frequency). This sequence change creates a premature translational stop signal (p.Trp393*) in the ANO5 gene. It is expected to result in an absent or disrupted protein product. Loss-of-function variants in ANO5 are known to be pathogenic (PMID: 21186264, 23606453, 25891276, 30919934).

Literature cited by the submitters: PubMed 21186264; PubMed 23606453; PubMed 25891276; PubMed 30919934.